The following is an entry in ClinVar:

NM_003097.6(SNRPN):c.712C>T (p.Pro238Ser)

Genes: SNHG14 (small nucleolar RNA host gene 14; plus strand), SNRPN (small nuclear ribonucleoprotein polypeptide N; plus strand), SNURF (SNRPN upstream open reading frame; plus strand). Cytogenetic location: 15q11.2.
Variant type: single nucleotide variant.
Coding change: c.712C>T on transcript NM_003097.6 (MANE Select); coding-DNA position 712, C replaced by T.
Protein change: p.Pro238Ser; replaces proline 238 with serine.
Molecular consequence: missense variant. On other transcripts: 3 prime UTR variant (1), non-coding transcript variant (1).
Genome position (GRCh38, 1-based): chr15:24,978,433, C>T. VCF-style: chr15-24978433-C-T. GRCh37 (hg19) VCF-style: chr15-25223580-C-T.
Other names: c.712C>T, p.Pro238Ser (NM_001400729.1, NM_001400730.1, NM_001400731.1 and 97 more transcripts); c.688C>T, p.Pro230Ser (NM_001378256.1, NM_001378257.1, NM_001400767.1); c.*900C>T (NM_005678.5); c.697C>T, p.Pro233Ser (NM_001400764.1, NM_001400765.1); c.448C>T, p.Pro150Ser (NM_001400768.1); c.724C>T, p.Pro242Ser (NM_001378251.1, NM_001378252.1, NM_001378253.1 and 2 more transcripts); short protein forms P230S, P238S, P242S, P150S, P233S.
Identifiers: ClinVar variation 1309470 (VCV001309470.4), dbSNP rs2153723319, ClinGen allele CA391342359.

ClinVar aggregate classification (germline): Uncertain significance (1 of 4 stars; one submission).

gnomAD v4.1: 1 of 1,613,856 alleles (0.000062%); highest among the groups gnomAD compares: Non-Finnish European, 0.000085%; no homozygotes.

Submission:

GeneDx
Classification: Uncertain significance. Last evaluated: 2019-11-06. Review status: criteria provided, single submitter. Criteria: GeneDx Variant Classification Process June 2021. Collection method: clinical testing. Allele origin: germline. Affected: yes.
Comment: Not observed in large population cohorts (Lek et al., 2016); In silico analysis, which includes protein predictors and evolutionary conservation, supports that this variant does not alter protein structure/function; Has not been previously published as pathogenic or benign to our knowledge